The following is an entry in ClinVar:

NM_001130987.2(DYSF):c.5513C>T (p.Pro1838Leu)

Gene: DYSF (dysferlin; plus strand). Cytogenetic location: 2p13.2.
Variant type: single nucleotide variant.
Coding change: c.5513C>T on transcript NM_001130987.2 (MANE Select); coding-DNA position 5513, C replaced by T.
Protein change: p.Pro1838Leu; replaces proline 1838 with leucine.
Molecular consequence: missense variant.
Genome position (GRCh38, 1-based): chr2:71,668,809, C>T. VCF-style: chr2-71668809-C-T. GRCh37 (hg19) VCF-style: chr2-71895939-C-T.
Other names: c.5399C>T, p.Pro1800Leu (NM_001130455.2); c.5354C>T, p.Pro1785Leu (NM_001130976.2); c.5417C>T, p.Pro1806Leu (NM_001130977.2); c.5459C>T, p.Pro1820Leu (NM_001130978.2); c.5489C>T, p.Pro1830Leu (NM_001130979.2); c.5447C>T, p.Pro1816Leu (NM_001130980.2); c.5510C>T, p.Pro1837Leu (NM_001130981.2); c.5492C>T, p.Pro1831Leu (NM_001130982.2); and 6 more; short protein forms P1816L, P1838L, P1807L, P1831L, P1837L, P1785L, P1786L, P1817L.
Identifiers: ClinVar variation 1431417 (VCV001431417.6), dbSNP rs761575935, ClinGen allele CA49768821.

ClinVar aggregate classification (germline): Uncertain significance. Review status: criteria provided, multiple submitters, no conflicts (2 of 4 stars). 2 submissions from 2 submitters: Uncertain significance (2). Last evaluated 2025-02-04.

Conditions:
Neuromuscular disease caused by qualitative or quantitative defects of dysferlin. Also called: Qualitative or quantitative defects of dysferlin; Dysferlinopathy. Identifiers: Orphanet 207073, MedGen C2931687, MONDO:0016145.

Allele frequency attached by ClinVar (database versions not stated): gnomAD 0.00001.
gnomAD v4.1: 2 of 1,613,920 alleles (0.00012%); highest among the groups gnomAD compares: Non-Finnish European, 0.000085%; no homozygotes.

Submissions (2):

GeneDx
Classification: Uncertain significance. Last evaluated: 2025-02-04. Review status: criteria provided, single submitter. Criteria: GeneDx Variant Classification Process June 2021. Collection method: clinical testing. Allele origin: germline. Affected: yes.
Comment: Not observed at significant frequency in large population cohorts (gnomAD); In silico analysis supports that this missense variant has a deleterious effect on protein structure/function; Has not been previously published as pathogenic or benign to our knowledge; This variant is associated with the following publications: (PMID: 24438169)

Labcorp Genetics (formerly Invitae), Labcorp
Classification: Uncertain significance for Neuromuscular disease caused by qualitative or quantitative defects of dysferlin. Last evaluated: 2021-08-24. Review status: criteria provided, single submitter. Criteria: Invitae Variant Classification Sherloc (09022015). Collection method: clinical testing. Allele origin: germline.
Comment: This sequence change replaces proline with leucine at codon 1799 of the DYSF protein (p.Pro1799Leu). The proline residue is highly conserved and there is a moderate physicochemical difference between proline and leucine. This variant is not present in population databases (ExAC no frequency). This variant has not been reported in the literature in individuals affected with DYSF-related conditions. Advanced modeling of protein sequence and biophysical properties (such as structural, functional, and spatial information, amino acid conservation, physicochemical variation, residue mobility, and thermodynamic stability) performed at Invitae indicates that this missense variant is expected to disrupt DYSF protein function. In summary, the available evidence is currently insufficient to determine the role of this variant in disease. Therefore, it has been classified as a Variant of Uncertain Significance.